The following is an entry in ClinVar:

NM_177438.3(DICER1):c.2062C>T (p.Arg688Ter)

Gene: DICER1 (dicer 1, ribonuclease III; minus strand). Cytogenetic location: 14q32.13.
Variant type: single nucleotide variant.
Coding change: c.2062C>T on transcript NM_177438.3 (MANE Select); coding-DNA position 2062, C replaced by T.
Protein change: p.Arg688Ter; replaces arginine 688 with a stop codon.
Molecular consequence: nonsense.
Genome position (GRCh38, 1-based): chr14:95,112,226, G>A on the plus strand (C>T on the coding strand, the complement: DICER1 is on the minus strand). VCF-style: chr14-95112226-G-A. GRCh37 (hg19) VCF-style: chr14-95578563-G-A.
Other names: c.2062C>T, p.Arg688Ter (NM_001195573.1, NM_001271282.3, NM_001291628.2 and 1 more transcripts); short protein forms R688*.
Identifiers: ClinVar variation 254303 (VCV000254303.23), dbSNP rs886037684, ClinGen allele CA10586445.

ClinVar aggregate classification (germline): Pathogenic. Review status: criteria provided, multiple submitters, no conflicts (2 of 4 stars). 11 submissions from 11 submitters: Pathogenic (10). 1 of the submissions does not count toward it. Last evaluated 2025-07-06.

Conditions:
Hereditary cancer-predisposing syndrome. Also called: Neoplastic Syndromes, Hereditary; Hereditary neoplastic syndrome; Hereditary Cancer Syndrome; Tumor predisposition. Identifiers: Orphanet 140162, MedGen C0027672, MeSH D009386, MONDO:0015356.
DICER1-related tumor predisposition. Also called: DICER1 syndrome; DICER1-related pleuropulmonary blastoma cancer predisposition syndrome. Identifiers: Orphanet 284343, MedGen C3839822, MONDO:0100216.
Global developmental delay - lung cysts - overgrowth - Wilms tumor syndrome. Also called: GLOBAL DEVELOPMENTAL DELAY, LUNG CYSTS, OVERGROWTH, AND WILMS TUMOR; GLOW Syndrome. Identifiers: Orphanet 404476, MedGen C4748924, MONDO:0018445, OMIM 618272.
Rhabdomyosarcoma, embryonal, 2 (RMSE2). Identifiers: MedGen C1867234, MONDO:0859046, OMIM 180295.
Pleuropulmonary blastoma (PPB). Identifiers: Orphanet 64742, MedGen C1266144, MONDO:0011014, OMIM 601200, HP:0100528.
Euthyroid goiter (MNG1). Also called: Goiter, multinodular 1, with or without Sertoli-Leydig cell tumors; GOITER, NONTOXIC, WITH INTRATHYROIDAL CALCIFICATION; MULTINODULAR GOITER, ADOLESCENT; SIMPLE GOITER. Identifiers: Orphanet 276399, MedGen C0302859, MONDO:0007681, OMIM 138800, HP:0009798.

Allele frequency attached by ClinVar (database versions not stated): gnomAD 0.00001.

Submissions (11):

Labcorp Genetics (formerly Invitae), Labcorp
Classification: Pathogenic for DICER1-related tumor predisposition. Last evaluated: 2025-07-06. Review status: criteria provided, single submitter. Criteria: Invitae Variant Classification Sherloc (09022015). Collection method: clinical testing. Allele origin: germline.
Comment: This sequence change creates a premature translational stop signal (p.Arg688*) in the DICER1 gene. It is expected to result in an absent or disrupted protein product. Loss-of-function variants in DICER1 are known to be pathogenic (PMID: 19556464, 21266384). This variant is present in population databases (no rsID available, gnomAD 0.01%). This premature translational stop signal has been observed in individual(s) with clinical features of DICER1 syndrome (PMID: 26822237, 26925222, 26928971, 28323992, 28960912). In at least one individual the variant was observed to be de novo. ClinVar contains an entry for this variant (Variation ID: 254303). For these reasons, this variant has been classified as Pathogenic.

Institute of Immunology and Genetics Kaiserslautern
Classification: Pathogenic for Pleuropulmonary blastoma; Euthyroid goiter; Rhabdomyosarcoma, embryonal, 2. Last evaluated: 2025-04-29. Review status: criteria provided, single submitter. Criteria: ACMG Guidelines, 2015. Collection method: clinical testing. Allele origin: germline.
Comment: ACMG Criteria: PVS1, PM2, PP5 ; Variant was found in heterozygous state.

Division of Genetic & Genomic Pathology, Hong Kong Children's Hospital
Classification: Pathogenic for DICER1-related tumor predisposition. Last evaluated: 2024-07-21. Review status: criteria provided, single submitter. Criteria: ACMG Guidelines, 2015. Collection method: clinical testing. Allele origin: germline. Affected: yes.
Comment: The nonsense variant c.2062C>T p.(Arg688*) creates a premature stop codon in exon 13 (of 27 exons) of the DICER1 gene. It is predicted to cause nonsense-mediated mRNA decay in a gene in which loss-of-function is an established disease mechanism (PMID: 24761742). This variant is present in the control population at an extremely low allele frequency (MAF is 0.000032 in all populations, gnomAD v2.1.1 (non-cancer)). This variant has been reported in at least four affected individuals with DICER1 tumor predisposition syndrome (PMID: 26822237, 26925222, 28097783). For these reasons, it is classified as pathogenic.

Baylor Genetics
Classification: Pathogenic for Global developmental delay - lung cysts - overgrowth - Wilms tumor syndrome. Last evaluated: 2024-01-26. Review status: criteria provided, single submitter. Criteria: ACMG Guidelines, 2015. Collection method: clinical testing. Allele origin: unknown.

Department of Pathology and Laboratory Medicine, Sinai Health System
Classification: Pathogenic for DICER1-related tumor predisposition. Last evaluated: 2024-01-25. Review status: criteria provided, single submitter. Criteria: ACMG Guidelines, 2015. Collection method: clinical testing. Allele origin: germline. Affected: yes.

Ambry Genetics
Classification: Pathogenic for Hereditary cancer-predisposing syndrome. Last evaluated: 2022-01-06. Review status: criteria provided, single submitter. Criteria: Ambry Variant Classification Scheme 2023. Collection method: clinical testing. Allele origin: germline.
Comment: The p.R688* pathogenic mutation (also known as c.2062C>T), located in coding exon 12 of the DICER1 gene, results from a C to T substitution at nucleotide position 2062. This changes the amino acid from an arginine to a stop codon within coding exon 12. This alteration has been observed in multiple individuals with a personal and/or family history that is consistent with DICER1-related disease (Wu MK et al. Pediatr Blood Cancer, 2016 07;63:1272-5; Parsons DW et al. JAMA Oncol, 2016 May;2:616-624; Khan NE et al. J Clin Endocrinol Metab, 2017 05;102:1614-1622; Fita AM et al. Pediatr Blood Cancer, 2017 Aug;64; Brenneman M et al. F1000Res, 2015 Jul;4:214; de Kock L et al. Mod Pathol, 2020 06;33:1207-1219). In addition to the clinical data presented in the literature, this alteration is expected to result in loss of function by premature protein truncation or nonsense-mediated mRNA decay. As such, this alteration is interpreted as a disease-causing mutation.

GeneDx
Classification: Pathogenic. Last evaluated: 2021-11-22. Review status: criteria provided, single submitter. Criteria: GeneDx Variant Classification Process June 2021. Collection method: clinical testing. Allele origin: germline. Affected: yes.
Comment: Nonsense variant predicted to result in protein truncation or nonsense mediated decay in a gene for which loss-of-function is a known mechanism of disease; Not observed at significant frequency in large population cohorts (Lek et al., 2016); This variant is associated with the following publications: (PMID: 26925222, 26461232, 26822237, 26928971, 27697588, 28097783, 28862265, 29762508, 28960912, 28323992)

Foulkes Cancer Genetics LDI, Lady Davis Institute for Medical Research
Classification: Pathogenic for Pleuropulmonary blastoma. Last evaluated: 2019-07-01. Review status: criteria provided, single submitter. Criteria: ACMG Guidelines, 2015. Collection method: curation. Allele origin: germline, somatic. Affected: yes. Observed: 8 variant alleles.
Comment: ACMG criteria met: PVS1, PM2, PM7, PP4

International Pleuropulmonary Blastoma Registry, Children's Hospitals and Clinics of Minnesota
Classification: Pathogenic for Pleuropulmonary blastoma. Last evaluated: 2014-11-10. Review status: criteria provided, single submitter. Criteria: Hill et al. (Science. 2009). Collection method: clinical testing. Allele origin: germline. Affected: yes. Study: PPB-DICER1 Genetic study.

University Health Network, Familial Cancer Clinic, Princess Margaret Cancer Centre
Classification: Pathogenic for DICER1-related tumor predisposition. Review status: criteria provided, single submitter. Criteria: ACMG Guidelines, 2015. Collection method: clinical testing. Allele origin: germline. Inheritance: Autosomal dominant inheritance. Affected: yes. Observed: 1 variant allele.

Donald Williams Parsons Laboratory, Baylor College of Medicine
Classification: Pathogenic for Pleuropulmonary blastoma. Last evaluated: 2013-10-28. Review status: no assertion criteria provided. Collection method: research. Allele origin: maternal. Inheritance: Autosomal dominant inheritance. Affected: yes. Observed: 1 variant allele, 1 heterozygote. Study: CSER-BASIC3. Not counted in ClinVar's aggregate classification.
Comment: This nonsense variant is categorized as deleterious according to ACMG guidelines (PMID:18414213).

Literature cited by the submitters: PubMed 19556464 (cited by Labcorp Genetics (formerly Invitae), Labcorp); PubMed 21266384 (cited by Labcorp Genetics (formerly Invitae), Labcorp); PubMed 26822237 (cited by 5 submitters); PubMed 26925222 (cited by 5 submitters); PubMed 26928971 (cited by 3 submitters); PubMed 28323992 (cited by 4 submitters); PubMed 28960912 (cited by Labcorp Genetics (formerly Invitae), Labcorp and Department of Pathology and Laboratory Medicine, Sinai Health System); PubMed 24761742 (cited by Division of Genetic & Genomic Pathology, Hong Kong Children's Hospital); PubMed 28097783 (cited by 3 submitters); PubMed 31900434 (cited by Ambry Genetics); PubMed 26461232 (cited by Foulkes Cancer Genetics LDI, Lady Davis Institute for Medical Research).